The following is an entry in ClinVar:

ClinVar aggregate classification (germline): Uncertain significance (1 of 4 stars; one submission).

Submission:

Labcorp Genetics (formerly Invitae), Labcorp
Classification: Uncertain significance. Last evaluated: 2024-12-16. Review status: criteria provided, single submitter. Criteria: Invitae Variant Classification Sherloc (09022015). Collection method: clinical testing. Allele origin: germline.
Comment: This sequence change replaces asparagine, which is neutral and polar, with aspartic acid, which is acidic and polar, at codon 773 of the ADAMTSL4 protein (p.Asn773Asp). This variant is not present in population databases (gnomAD no frequency). This variant has not been reported in the literature in individuals affected with ADAMTSL4-related conditions. ClinVar contains an entry for this variant (Variation ID: 2007050). Invitae Evidence Modeling of protein sequence and biophysical properties (such as structural, functional, and spatial information, amino acid conservation, physicochemical variation, residue mobility, and thermodynamic stability) indicates that this missense variant is not expected to disrupt ADAMTSL4 protein function with a negative predictive value of 80%. In summary, the available evidence is currently insufficient to determine the role of this variant in disease. Therefore, it has been classified as a Variant of Uncertain Significance.

NM_019032.6(ADAMTSL4):c.2317A>G (p.Asn773Asp)

Gene: ADAMTSL4 (ADAMTS like 4; plus strand). Cytogenetic location: 1q21.2.
Variant type: single nucleotide variant.
Coding change: c.2317A>G on transcript NM_019032.6 (MANE Select); coding-DNA position 2317, A replaced by G.
Protein change: p.Asn773Asp; replaces asparagine 773 with aspartic acid.
Molecular consequence: missense variant.
Genome position (GRCh38, 1-based): chr1:150,558,084, A>G. VCF-style: chr1-150558084-A-G. GRCh37 (hg19) VCF-style: chr1-150530560-A-G.
Other names: c.2200A>G, p.Asn734Asp (NM_001288607.2); c.2386A>G, p.Asn796Asp (NM_001288608.2); c.2317A>G, p.Asn773Asp (NM_001378596.1, NM_025008.5); short protein forms N734D, N796D, N773D.
Identifiers: ClinVar variation 2007050 (VCV002007050.4), dbSNP rs2526755530, ClinGen allele CA342314865.